The following is an entry in ClinVar:

NM_001276345.2(TNNT2):c.155G>A (p.Arg52Lys)

Gene: TNNT2 (troponin T2, cardiac type; minus strand). Cytogenetic location: 1q32.1.
Variant type: single nucleotide variant.
Coding change: c.155G>A on transcript NM_001276345.2 (MANE Select); coding-DNA position 155, G replaced by A.
Protein change: p.Arg52Lys; replaces arginine 52 with lysine.
Molecular consequence: missense variant.
Genome position (GRCh38, 1-based): chr1:201,368,170, C>T on the plus strand (G>A on the coding strand, the complement: TNNT2 is on the minus strand). VCF-style: chr1-201368170-C-T. GRCh37 (hg19) VCF-style: chr1-201337298-C-T.
Other names: c.155G>A, p.Arg52Lys (NM_000364.4, NM_001276346.2, NM_001406723.1); c.125G>A, p.Arg42Lys (NM_001001430.3, NM_001001431.3, NM_001276347.2 and 4 more transcripts); c.110G>A, p.Arg37Lys (NM_001001432.3, NM_001406728.1); short protein forms R37K, R52K, R42K.
Identifiers: ClinVar variation 1762767 (VCV001762767.2), dbSNP rs2527079289, ClinGen allele CA344207208.
Genomic context (GRCh38, chr1:201,368,170, plus strand): 5'-CAGGGGCTCTCGCCACCCCCTGAGGCCCCTGCACCCTCAACCAGAGACTTACCTTCTGCC[C>T]TGGTCTCCTCGGTCTCAGCCTCTGCTTCAGCATCCTCTTCCGCTGCCTCCTCCTGCTCTG-3'
Protein context (NP_001263274.1, residues 42-62): AEAEAETEET[Arg52Lys]AEEDEEEEEA

ClinVar aggregate classification (germline): Uncertain significance (1 of 4 stars; one submission).

Conditions:
Cardiovascular phenotype. Identifiers: MedGen CN230736.

Submission:

Ambry Genetics
Classification: Uncertain significance for Cardiovascular phenotype. Last evaluated: 2020-03-19. Review status: criteria provided, single submitter. Criteria: Ambry Variant Classification Scheme 2023. Collection method: clinical testing. Allele origin: germline.
Comment: The p.R42K variant (also known as c.125G>A), located in coding exon 4 of the TNNT2 gene, results from a G to A substitution at nucleotide position 125. The arginine at codon 42 is replaced by lysine, an amino acid with highly similar properties. This amino acid position is poorly conserved in available vertebrate species. In addition, the in silico prediction for this alteration is inconclusive. Since supporting evidence is limited at this time, the clinical significance of this alteration remains unclear.